The following is an entry in ClinVar:

NM_001105206.3(LAMA4):c.1548T>G (p.His516Gln)

Gene: LAMA4 (laminin subunit alpha 4; minus strand). Cytogenetic location: 6q21.
Variant type: single nucleotide variant.
Coding change: c.1548T>G on transcript NM_001105206.3 (MANE Select); coding-DNA position 1548, T replaced by G.
Protein change: p.His516Gln; replaces histidine 516 with glutamine.
Molecular consequence: missense variant.
Genome position (GRCh38, 1-based): chr6:112,172,614, A>C on the plus strand (T>G on the coding strand, the complement: LAMA4 is on the minus strand). VCF-style: chr6-112172614-A-C. GRCh37 (hg19) VCF-style: chr6-112493816-A-C.
Other names: c.1527T>G, p.His509Gln (NM_001105207.3, NM_002290.5); short protein forms H509Q, H516Q.
Identifiers: ClinVar variation 3905779 (VCV003905779.10).

ClinVar aggregate classification (germline): Uncertain significance (1 of 4 stars; one submission).

Submission:

CeGaT Center for Human Genetics Tuebingen
Classification: Uncertain significance. Last evaluated: 2025-04-01. Review status: criteria provided, single submitter. Criteria: CeGaT Center For Human Genetics Tuebingen Variant Classification Criteria Version 2. Collection method: clinical testing. Allele origin: germline. Affected: yes. Observed: 1 variant allele.
Comment: LAMA4: PM2, BP4